The following is an entry in ClinVar:

NM_001079866.2(BCS1L):c.383C>T (p.Thr128Met)

Gene: BCS1L (BCS1 ubiquinol-cytochrome c reductase complex chaperone; plus strand). Cytogenetic location: 2q35.
Variant type: single nucleotide variant.
Coding change: c.383C>T on transcript NM_001079866.2 (MANE Select); coding-DNA position 383, C replaced by T.
Protein change: p.Thr128Met; replaces threonine 128 with methionine.
Molecular consequence: missense variant. On other transcripts: 5 prime UTR variant (5), non-coding transcript variant (1), intron variant (1).
Genome position (GRCh38, 1-based): chr2:218,661,468, C>T. VCF-style: chr2-218661468-C-T. GRCh37 (hg19) VCF-style: chr2-219526191-C-T.
Other names: c.383C>T, p.Thr128Met (NM_001257342.2, NM_001257343.2, NM_001257344.2 and 10 more transcripts); c.23C>T, p.Thr8Met (NM_001318836.2, NM_001371451.1); c.-94C>T (NM_001371453.1, NM_001371454.1, NM_001371455.1 and 2 more transcripts); c.-41-291C>T (NM_001371452.1); short protein forms T128M, T8M.
Identifiers: ClinVar variation 384759 (VCV000384759.3), dbSNP rs780752138, ClinGen allele CA2109655.

ClinVar aggregate classification (germline): Uncertain significance. Review status: criteria provided, single submitter (1 of 4 stars). 2 submissions from 2 submitters: Uncertain significance (1). 1 of the submissions does not count toward it. Last evaluated 2017-04-18.

Conditions:
GRACILE syndrome (FLNMS). Also called: FELLMAN SYNDROME; FINNISH LETHAL NEONATAL METABOLIC SYNDROME. Identifiers: Orphanet 53693, MedGen C1864002, MONDO:0011308, OMIM 603358.

Allele frequency attached by ClinVar (database versions not stated): TOPMed below 0.00001; ExAC 0.00002; gnomAD exomes 0.00002.

Submissions (2):

GeneDx
Classification: Uncertain significance. Last evaluated: 2017-04-18. Review status: criteria provided, single submitter. Criteria: GeneDx Variant Classification (06012015). Collection method: clinical testing. Allele origin: germline. Affected: yes.
Comment: The T128M variant in the BCS1L gene has not been reported previously as a pathogenic variant, nor as a benign variant, to our knowledge. This variant was not observed in approximately 6500 individuals of European and African American ancestry in the NHLBI Exome Sequencing Project, indicating it is not a common benign variant in these populations. The T128M variant is a non-conservative amino acid substitution, which is likely to impact secondary protein structure as these residues differ in polarity, charge, size and/or other properties. This substitution occurs at a position that is conserved across species. In silico analysis is inconsistent in its predictions as to whether or not the variant is damaging to the protein structure/function. We interpret T128M as a variant of uncertain significance.

Natera, Inc.
Classification: Uncertain significance for GRACILE syndrome. Last evaluated: 2019-11-11. Review status: no assertion criteria provided. Collection method: clinical testing. Allele origin: germline. Not counted in ClinVar's aggregate classification.